The following is an entry in ClinVar:

NM_000088.4(COL1A1):c.543+1del

Gene: COL1A1 (collagen type I alpha 1 chain; minus strand). Cytogenetic location: 17q21.33.
Variant type: Deletion.
Coding change: c.543+1del on transcript NM_000088.4 (MANE Select); the canonical splice donor site of the intron after coding-DNA position 543, one base deleted (G; older notation c.543+1delG).
Molecular consequence: splice donor variant.
Genome position (GRCh38, 1-based): chr17:50,198,432, C deleted on the plus strand (G on the coding strand, the reverse complement: COL1A1 is on the minus strand); the first of 2 consecutive C bases (chr17:50,198,432-50,198,433); deleting either gives the same sequence. VCF-style (leftmost placement, unchanged base first): chr17-50198431-AC-A. GRCh37 (hg19) VCF-style: chr17-48275792-AC-A.
Identifiers: ClinVar variation 3255129 (VCV003255129.1), dbSNP rs2509249517.
Genomic context (GRCh38, chr17:50,198,431, plus strand): 5'-TGCCCACCTCCTCTGGATACCCATTCTCTCTTCTGTCATCCATGCTCCCCCTGCTGGCTC[AC>A]CATGGGGCCAGGCACGGAAATTCCTCCGGTTGATTTCTCATCATAGCCATAAGACAGCTG-3'

ClinVar aggregate classification (germline): Pathogenic (1 of 4 stars; one submission).

Conditions:
Osteogenesis imperfecta type I (OI1). Also called: Lobstein disease; Classic Non-deforming Osteogenesis Imperfecta with Blue Sclerae; OI, TYPE I; OSTEOGENESIS IMPERFECTA TARDA; OSTEOGENESIS IMPERFECTA WITH BLUE SCLERAE; Osteogenesis imperfecta type 1. Identifiers: Orphanet 216796, Orphanet 666, MedGen C0023931, MONDO:0008146, OMIM 166200. Disease mechanism: loss of function.

Submission:

Victorian Clinical Genetics Services, Murdoch Childrens Research Institute
Classification: Pathogenic for Osteogenesis imperfecta type I. Last evaluated: 2023-07-16. Review status: criteria provided, single submitter. Criteria: ACMG Guidelines, 2015. Collection method: clinical testing. Allele origin: germline. Inheritance: Autosomal dominant inheritance. Affected: yes.
Comment: Based on the classification scheme VCGS_Germline_v1.3.4, this variant is classified as Pathogenic. Following criteria are met: 0103 - Dominant negative and loss of function are known mechanisms of disease in this gene and are associated with osteogenesis imperfecta types I-IV, and other conditions (OMIM). Variants resulting in a truncated protein are known to have a loss of function effect on protein, while missense variants affecting the G-X-Y of a triple helix motif have a dominant negative effect (PMID: 27509835, PMID: 12362985). (I). (I) 0107 - This gene is associated with autosomal dominant disease. (I) 0115 - Variants in this gene are known to have variable expressivity (GeneReviews). (I) 0211 - Canonical splice site variant without proven consequence on splicing (no functional evidence available). (SP) 0251 - This variant is heterozygous. (I) 0301 - Variant is absent from gnomAD (both v2 and v3). (SP) 0505 - Abnormal splicing is predicted by in silico tools and affected nucleotide is highly conserved. (SP) 0600 - Variant is located in the annotated collagen domain within the Gly-X-Y motif (Decipher). (I) 0701 - Other splice site variants comparable to the one identified in this case have very strong previous evidence for pathogenicity (LOVD/Osteogenesis Imperfecta Database; ClinVar). (SP) 0807 - This variant has no previous evidence of pathogenicity. (I) 0905 - No published segregation evidence has been identified for this variant. (I) 1007 - No published functional evidence has been identified for this variant. (I) 1102 - Strong phenotype match for this individual. (SP) 1208 - Inheritance information for this variant is not currently available in this individual. (I) Legend: (SP) - Supporting pathogenic, (I) - Information, (SB) - Supporting benign

Literature cited by the submitters: PubMed 12362985; PubMed 27509835.